The following is an entry in ClinVar:

NM_014874.4(MFN2):c.1495+3_1495+6dup

Gene: MFN2 (mitofusin 2; plus strand). Cytogenetic location: 1p36.22.
Variant type: Duplication.
Coding change: c.1495+3_1495+6dup on transcript NM_014874.4 (MANE Select); bases 3 to 6 of the intron after coding-DNA position 1495, 4 bases duplicated (TAGT; older notation c.1495+3_1495+6dupTAGT).
Molecular consequence: splice donor variant.
Genome position (GRCh38, 1-based): chr1:12,004,930-12,004,933, TAGT duplicated; duplicating any 4 consecutive bases within chr1:12,004,928-12,004,933 gives the same sequence; the c. name uses the placement nearest the transcript's 3' end. VCF-style (leftmost placement, unchanged base first): chr1-12004927-G-GGTTA. GRCh37 (hg19) VCF-style: chr1-12064984-G-GGTTA.
Other names: c.1495+3_1495+6dup (NM_001127660.2).
Identifiers: ClinVar variation 1515637 (VCV001515637.6), dbSNP rs2100850333, ClinGen allele CA2573130580.

ClinVar aggregate classification (germline): Uncertain significance (1 of 4 stars; one submission).

Conditions:
Charcot-Marie-Tooth disease type 2. Also called: Charcot-Marie-Tooth type 2. Identifiers: Orphanet 64746, MedGen C0270914, MONDO:0018993.

Submission:

Labcorp Genetics (formerly Invitae), Labcorp
Classification: Uncertain significance for Charcot-Marie-Tooth disease type 2. Last evaluated: 2023-06-30. Review status: criteria provided, single submitter. Criteria: Invitae Variant Classification Sherloc (09022015). Collection method: clinical testing. Allele origin: germline.
Comment: This sequence change falls in intron 14 of the MFN2 gene. It does not directly change the encoded amino acid sequence of the MFN2 protein. It affects a nucleotide within the consensus splice site. This variant is not present in population databases (gnomAD no frequency). This variant has not been reported in the literature in individuals affected with MFN2-related conditions. ClinVar contains an entry for this variant (Variation ID: 1515637). Variants that disrupt the consensus splice site are a relatively common cause of aberrant splicing (PMID: 17576681, 9536098). Algorithms developed to predict the effect of sequence changes on RNA splicing suggest that this variant is not likely to affect RNA splicing. In summary, the available evidence is currently insufficient to determine the role of this variant in disease. Therefore, it has been classified as a Variant of Uncertain Significance.

Literature cited by the submitters: PubMed 17576681; PubMed 9536098.